The following is an entry in ClinVar:

NM_001291303.3(FAT4):c.13762A>G (p.Arg4588Gly)

Gene: FAT4 (FAT atypical cadherin 4; plus strand). Cytogenetic location: 4q28.1.
Variant type: single nucleotide variant.
Coding change: c.13762A>G on transcript NM_001291303.3 (MANE Select); coding-DNA position 13762, A replaced by G.
Protein change: p.Arg4588Gly; replaces arginine 4588 with glycine.
Molecular consequence: missense variant.
Genome position (GRCh38, 1-based): chr4:125,490,578, A>G. VCF-style: chr4-125490578-A-G. GRCh37 (hg19) VCF-style: chr4-126411733-A-G.
Other names: c.13756A>G (NM_024582.5); c.13759A>G, p.Arg4587Gly (NM_001291285.3); c.13756A>G, p.Arg4586Gly (NM_024582.6); short protein forms R4586G, R4587G, R4588G.
Identifiers: ClinVar variation 1918493 (VCV001918493.5), dbSNP rs777451150, ClinGen allele CA3074431.
Genomic context (GRCh38, chr4:125,490,578, plus strand): 5'-GGGGATGACATGACTGTGAGGAAGCAGCCTGAAGGGAACCCAAAACCAGATATCATTGAA[A>G]GGGAAAACCCCTACCTTATCTATGATGAAACTGATATTCCTCACAACTCAGAAACCATCC-3'
Protein context (NP_001278232.1, residues 4578-4598): EGNPKPDIIE[Arg4588Gly]ENPYLIYDET

ClinVar aggregate classification (germline): Uncertain significance. Review status: criteria provided, multiple submitters, no conflicts (2 of 4 stars). 4 submissions from 4 submitters: Uncertain significance (4). Last evaluated 2025-08-13.

Conditions:
Inborn genetic diseases. Identifiers: MedGen C0950123, MeSH D030342.
Van Maldergem syndrome 2 (VMLDS2). Identifiers: Orphanet 314679, MedGen C3809875, MONDO:0014242, OMIM 615546.
Hennekam lymphangiectasia-lymphedema syndrome 2 (HKLLS2). Identifiers: Orphanet 2136, MedGen C4014939, MONDO:0014454, OMIM 616006.

Allele frequency attached by ClinVar (database versions not stated): gnomAD 0.00001; ExAC 0.00002; gnomAD exomes 0.00001; TOPMed 0.00003.
gnomAD v4.1: 12 of 1,614,062 alleles (0.00074%); highest among the groups gnomAD compares: Admixed American, 0.015%; no homozygotes.

Submissions (4):

GeneDx
Classification: Uncertain significance. Last evaluated: 2025-08-13. Review status: criteria provided, single submitter. Criteria: GeneDx Variant Classification Process June 2021. Collection method: clinical testing. Allele origin: germline. Affected: yes.
Comment: In silico analysis supports that this missense variant has a deleterious effect on protein structure/function; Has not been previously published as pathogenic or benign to our knowledge

Fulgent Genetics
Classification: Uncertain significance for Van Maldergem syndrome 2; Hennekam lymphangiectasia-lymphedema syndrome 2. Last evaluated: 2024-01-10. Review status: criteria provided, single submitter. Criteria: ACMG Guidelines, 2015. Collection method: clinical testing. Allele origin: germline.

Labcorp Genetics (formerly Invitae), Labcorp
Classification: Uncertain significance. Last evaluated: 2022-08-06. Review status: criteria provided, single submitter. Criteria: Invitae Variant Classification Sherloc (09022015). Collection method: clinical testing. Allele origin: germline.
Comment: This sequence change replaces arginine, which is basic and polar, with glycine, which is neutral and non-polar, at codon 4586 of the FAT4 protein (p.Arg4586Gly). This variant is present in population databases (rs777451150, gnomAD 0.02%). This variant has not been reported in the literature in individuals affected with FAT4-related conditions. Advanced modeling of protein sequence and biophysical properties (such as structural, functional, and spatial information, amino acid conservation, physicochemical variation, residue mobility, and thermodynamic stability) performed at Invitae indicates that this missense variant is not expected to disrupt FAT4 protein function. In summary, the available evidence is currently insufficient to determine the role of this variant in disease. Therefore, it has been classified as a Variant of Uncertain Significance.

Ambry Genetics
Classification: Uncertain significance for Inborn genetic diseases. Last evaluated: 2022-05-31. Review status: criteria provided, single submitter. Criteria: Ambry Variant Classification Scheme 2023. Collection method: clinical testing. Allele origin: germline.